The following is an entry in ClinVar:

NM_001384474.1(LOXHD1):c.4708G>A (p.Asp1570Asn)

Gene: LOXHD1 (lipoxygenase homology PLAT domains 1; minus strand). Cytogenetic location: 18q21.1.
Variant type: single nucleotide variant.
Coding change: c.4708G>A on transcript NM_001384474.1 (MANE Select); coding-DNA position 4708, G replaced by A.
Protein change: p.Asp1570Asn; replaces aspartic acid 1570 with asparagine.
Molecular consequence: missense variant.
Genome position (GRCh38, 1-based): chr18:46,524,740, C>T on the plus strand (G>A on the coding strand, the complement: LOXHD1 is on the minus strand). VCF-style: chr18-46524740-C-T. GRCh37 (hg19) VCF-style: chr18-44104703-C-T.
Other names: c.1375G>A, p.Asp459Asn (NM_001145472.3); c.1087G>A, p.Asp363Asn (NM_001308013.2); c.4708G>A, p.Asp1570Asn (NM_144612.7); short protein forms D1570N, D363N, D459N.
Identifiers: ClinVar variation 2055995 (VCV002055995.1), dbSNP rs747408197, ClinGen allele CA299801807.

ClinVar aggregate classification (germline): Uncertain significance (1 of 4 stars; one submission).

Allele frequency attached by ClinVar (database versions not stated): gnomAD 0.00002; TOPMed 0.00003.
gnomAD v4.1: 107 of 1,551,642 alleles (0.0069%); highest among the groups gnomAD compares: Non-Finnish European, 0.0085%; no homozygotes.

Submission:

Labcorp Genetics (formerly Invitae), Labcorp
Classification: Uncertain significance. Last evaluated: 2022-02-21. Review status: criteria provided, single submitter. Criteria: Invitae Variant Classification Sherloc (09022015). Collection method: clinical testing. Allele origin: germline.
Comment: This sequence change replaces aspartic acid, which is acidic and polar, with asparagine, which is neutral and polar, at codon 1570 of the LOXHD1 protein (p.Asp1570Asn). This variant is present in population databases (rs747408197, gnomAD 0.004%). This variant has not been reported in the literature in individuals affected with LOXHD1-related conditions. Algorithms developed to predict the effect of missense changes on protein structure and function are either unavailable or do not agree on the potential impact of this missense change (SIFT: "Deleterious"; PolyPhen-2: "Probably Damaging"; Align-GVGD: "Class C0"). In summary, the available evidence is currently insufficient to determine the role of this variant in disease. Therefore, it has been classified as a Variant of Uncertain Significance.